The following is an entry in ClinVar:

ClinVar aggregate classification (germline): Uncertain significance (1 of 4 stars; one submission).

gnomAD v4.1: 2 of 1,613,642 alleles (0.00012%); highest among the groups gnomAD compares: Non-Finnish European, 0.00017%; no homozygotes.

Submission:

GeneDx
Classification: Uncertain significance. Last evaluated: 2024-06-01. Review status: criteria provided, single submitter. Criteria: GeneDx Variant Classification Process June 2021. Collection method: clinical testing. Allele origin: germline. Affected: yes.
Comment: Not observed at significant frequency in large population cohorts (gnomAD); Missense variants in this gene are a common cause of disease and they are underrepresented in the general population; In silico analysis indicates that this missense variant does not alter protein structure/function; Has not been previously published as pathogenic or benign to our knowledge

NM_001614.5(ACTG1):c.685A>G (p.Thr229Ala)

Gene: ACTG1 (actin gamma 1; minus strand). Cytogenetic location: 17q25.3.
Variant type: single nucleotide variant.
Coding change: c.685A>G on transcript NM_001614.5 (MANE Select); coding-DNA position 685, A replaced by G.
Protein change: p.Thr229Ala; replaces threonine 229 with alanine.
Molecular consequence: missense variant. On other transcripts: non-coding transcript variant (1).
Genome position (GRCh38, 1-based): chr17:81,511,305, T>C on the plus strand (A>G on the coding strand, the complement: ACTG1 is on the minus strand). VCF-style: chr17-81511305-T-C. GRCh37 (hg19) VCF-style: chr17-79478331-T-C.
Other names: c.685A>G, p.Thr229Ala (NM_001199954.3); short protein forms T229A.
Identifiers: ClinVar variation 3384436 (VCV003384436.1).